The following is an entry in ClinVar:

ClinVar aggregate classification (germline): Uncertain significance (1 of 4 stars; one submission).

Submission:

Labcorp Genetics (formerly Invitae), Labcorp
Classification: Uncertain significance. Last evaluated: 2022-11-15. Review status: criteria provided, single submitter. Criteria: Invitae Variant Classification Sherloc (09022015). Collection method: clinical testing. Allele origin: germline.
Comment: In summary, the available evidence is currently insufficient to determine the role of this variant in disease. Therefore, it has been classified as a Variant of Uncertain Significance. Algorithms developed to predict the effect of missense changes on protein structure and function are either unavailable or do not agree on the potential impact of this missense change (SIFT: "Deleterious"; PolyPhen-2: "Probably Damaging"; Align-GVGD: "Class C0"). ClinVar contains an entry for this variant (Variation ID: 1507794). This variant has not been reported in the literature in individuals affected with CLCN6-related conditions. This variant is not present in population databases (gnomAD no frequency). This sequence change replaces threonine, which is neutral and polar, with alanine, which is neutral and non-polar, at codon 440 of the CLCN6 protein (p.Thr440Ala).

NM_001286.5(CLCN6):c.1318A>G (p.Thr440Ala)

Gene: CLCN6 (chloride voltage-gated channel 6; plus strand). Cytogenetic location: 1p36.22.
Variant type: single nucleotide variant.
Coding change: c.1318A>G on transcript NM_001286.5 (MANE Select); coding-DNA position 1318, A replaced by G.
Protein change: p.Thr440Ala; replaces threonine 440 with alanine.
Molecular consequence: missense variant. On other transcripts: non-coding transcript variant (1).
Genome position (GRCh38, 1-based): chr1:11,833,584, A>G. VCF-style: chr1-11833584-A-G. GRCh37 (hg19) VCF-style: chr1-11893641-A-G.
Other names: c.1252A>G, p.Thr418Ala (NM_001256959.2); short protein forms T418A, T440A.
Identifiers: ClinVar variation 1507794 (VCV001507794.6), dbSNP rs2100652072, ClinGen allele CA338434423.